The following is an entry in ClinVar:

ClinVar aggregate classification (germline): Uncertain significance (1 of 4 stars; one submission).

Conditions:
Leigh syndrome (NULS). Also called: Leigh's necrotizing encephalopathy; Leigh's disease; Leigh Syndrome (mtDNA deletion); Leigh Disease; Subacute necrotizing encephalopathy; Necrotizing encephalopathy infantile subacute of Leigh. Identifiers: Orphanet 506, MedGen C2931891, MONDO:0009723, OMIM 256000.

Submission:

Wong Mito Lab, Molecular and Human Genetics, Baylor College of Medicine
Classification: Uncertain significance for Leigh syndrome. Last evaluated: 2019-10-17. Review status: criteria provided, single submitter. Criteria: Modified ACMG Guidelines (Unpublished). Collection method: clinical testing. Allele origin: germline.
Comment: The NC_012920.1:m.11615A>G (YP_003024035.1:p.Ile286Val) variant in MTND4 gene is interpretated to be a Uncertain Significance variant based on the modified ACMG guidelines (unpublished). This variant meets the following evidence codes: PP6, PP7, BP4

NC_012920.1(MT-ND4):m.11615A>G

Gene: MT-ND4 (mitochondrially encoded NADH dehydrogenase 4; plus strand).
Variant type: single nucleotide variant.
Genome position: chrM-11615-A-G.
Identifiers: ClinVar variation 693372 (VCV000693372.1), dbSNP rs1603223360, ClinGen allele CA414810578.